The following is an entry in ClinVar:

NM_207122.2(EXT2):c.536+1G>A

Gene: EXT2 (exostosin glycosyltransferase 2; plus strand). Cytogenetic location: 11p11.2.
Variant type: single nucleotide variant.
Coding change: c.536+1G>A on transcript NM_207122.2 (MANE Select); the canonical splice donor site of the intron after coding-DNA position 536, G replaced by A.
Molecular consequence: splice donor variant.
Genome position (GRCh38, 1-based): chr11:44,108,249, G>A. VCF-style: chr11-44108249-G-A. GRCh37 (hg19) VCF-style: chr11-44129799-G-A.
Other names: c.536+1G>A (NM_001389630.1, NM_001178083.3, NM_001389628.1); c.635+1G>A (NM_000401.3).
Identifiers: ClinVar variation 1211965 (VCV001211965.11), dbSNP rs1954091762, ClinGen allele CA380180551.
Genomic context (GRCh38, chr11:44,108,249, plus strand): 5'-GCTTAACCAGAACACACTGCGCATCAAGGAGACAGCACAAGCGATGGCCCAGCTCTCTAG[G>A]TATCTCACACTCATACAGCCCAGCCCCCAGGAGATACTTGAGTGGCCCTCAGGGAACTAA-3'

ClinVar aggregate classification (germline): Pathogenic. Review status: criteria provided, multiple submitters, no conflicts (2 of 4 stars). 3 submissions from 3 submitters: Pathogenic (3). Last evaluated 2025-02-06.

Conditions:
Exostoses, multiple, type 2 (EXT2). Also called: Hereditary Multiple Osteochondromatosis, Type II; EXOSTOSES, MULTIPLE, TYPE II. Identifiers: Orphanet 321, MedGen C1851413, MONDO:0007586, OMIM 133701.

Submissions (3):

3billion
Classification: Pathogenic for Exostoses, multiple, type 2. Last evaluated: 2025-02-06. Review status: criteria provided, single submitter. Criteria: ACMG Guidelines, 2015. Collection method: clinical testing. Allele origin: germline. Affected: yes.
Comment: The variant is not observed in the gnomAD v4.1.0 dataset. Predicted Consequence/Location: Canonical splice site: predicted to alter splicing and result in a loss or disruption of normal protein function. Multiple pathogenic loss-of-function variants are reported downstream of the variant. In silico tools predict the variant to alter splicing and produce an abnormal transcript [SpliceAI: 0.97 (spliceogenicity >=0.2, non-spliceogenicity <0.1)]. The variant has been reported at least twice as pathogenic without evidence for the classification (ClinVar ID: VCV001211965 /PMID: 10713884 /3billion dataset). Therefore, this variant is classified as Pathogenic according to the recommendation of ACMG/AMP guideline.

GeneDx
Classification: Pathogenic. Last evaluated: 2023-06-12. Review status: criteria provided, single submitter. Criteria: GeneDx Variant Classification Process June 2021. Collection method: clinical testing. Allele origin: germline. Affected: yes.
Comment: Not observed at significant frequency in large population cohorts (gnomAD); Canonical splice site variant predicted to result in a null allele in a gene for which loss of function is a known mechanism of disease; This variant is associated with the following publications: (PMID: 25525159, 10713884, 30730578)

Labcorp Genetics (formerly Invitae), Labcorp
Classification: Pathogenic for Exostoses, multiple, type 2. Last evaluated: 2022-04-01. Review status: criteria provided, single submitter. Criteria: Invitae Variant Classification Sherloc (09022015). Collection method: clinical testing. Allele origin: germline.
Comment: Disruption of this splice site has been observed in individual(s) with hereditary multiple exostoses (PMID: 10713884). This sequence change affects a donor splice site in intron 2 of the EXT2 gene. It is expected to disrupt RNA splicing. Variants that disrupt the donor or acceptor splice site typically lead to a loss of protein function (PMID: 16199547), and loss-of-function variants in EXT2 are known to be pathogenic (PMID: 10679937, 19810120). This variant is not present in population databases (gnomAD no frequency). ClinVar contains an entry for this variant (Variation ID: 1211965). Algorithms developed to predict the effect of sequence changes on RNA splicing suggest that this variant may disrupt the consensus splice site. For these reasons, this variant has been classified as Pathogenic.

Literature cited by the submitters: PubMed 10713884 (cited by 3billion and Labcorp Genetics (formerly Invitae), Labcorp); PubMed 16199547 (cited by Labcorp Genetics (formerly Invitae), Labcorp); PubMed 10679937 (cited by Labcorp Genetics (formerly Invitae), Labcorp); PubMed 19810120 (cited by Labcorp Genetics (formerly Invitae), Labcorp).